The following is an entry in ClinVar:

NM_017882.3(CLN6):c.490G>A (p.Asp164Asn)

Gene: CLN6 (CLN6 transmembrane ER protein; minus strand). Cytogenetic location: 15q23.
Variant type: single nucleotide variant.
Coding change: c.490G>A on transcript NM_017882.3 (MANE Select); coding-DNA position 490, G replaced by A.
Protein change: p.Asp164Asn; replaces aspartic acid 164 with asparagine.
Molecular consequence: missense variant.
Genome position (GRCh38, 1-based): chr15:68,211,315, C>T on the plus strand (G>A on the coding strand, the complement: CLN6 is on the minus strand). VCF-style: chr15-68211315-C-T. GRCh37 (hg19) VCF-style: chr15-68503653-C-T.
Other names: short protein forms D164N.
Identifiers: ClinVar variation 457973 (VCV000457973.9), dbSNP rs779685727, ClinGen allele CA392973231.

ClinVar aggregate classification (germline): Uncertain significance. Review status: criteria provided, multiple submitters, no conflicts (2 of 4 stars). 2 submissions from 2 submitters: Uncertain significance (2). Last evaluated 2026-01-29.

Conditions:
Neuronal ceroid lipofuscinosis. Also called: Neuronal Ceroid Lipofuscinoses. Identifiers: Orphanet 216, Orphanet 79263, MedGen C0027877, MONDO:0016295. Disease mechanism: loss of function.

gnomAD v4.1: 8 of 1,613,926 alleles (0.0005%); highest among the groups gnomAD compares: Non-Finnish European, 0.00051%; no homozygotes.

Submissions (2):

Dasa
Classification: Uncertain significance. Last evaluated: 2026-01-29. Review status: criteria provided, single submitter. Criteria: DASA Assertion Criteria. Collection method: clinical testing. Allele origin: germline.
Comment: NM_017882.3(CLN6):c.490G>A (p.Asp164Asn) is a missense variant that results in the substitution of aspartic acid with asparagine. This variant is rare in population databases. Computational prediction algorithms are consistent with a deleterious effect. The currently available literature and clinical evidence are not sufficient to establish a definitive association between this variant and the reported condition. Therefore, this variant is classified as a variant of uncertain significance.

Labcorp Genetics (formerly Invitae), Labcorp
Classification: Uncertain significance for Neuronal ceroid lipofuscinosis. Last evaluated: 2022-02-28. Review status: criteria provided, single submitter. Criteria: Invitae Variant Classification Sherloc (09022015). Collection method: clinical testing. Allele origin: germline.
Comment: Algorithms developed to predict the effect of missense changes on protein structure and function are either unavailable or do not agree on the potential impact of this missense change (SIFT: "Deleterious"; PolyPhen-2: "Possibly Damaging"; Align-GVGD: "Class C0"). ClinVar contains an entry for this variant (Variation ID: 457973). This variant has not been reported in the literature in individuals affected with CLN6-related conditions. This variant is present in population databases (no rsID available, gnomAD 0.004%). This sequence change replaces aspartic acid, which is acidic and polar, with asparagine, which is neutral and polar, at codon 164 of the CLN6 protein (p.Asp164Asn). In summary, the available evidence is currently insufficient to determine the role of this variant in disease. Therefore, it has been classified as a Variant of Uncertain Significance.